The following is an entry in ClinVar:

NM_001029883.3(PCARE):c.344C>T (p.Pro115Leu)

Gene: PCARE (photoreceptor cilium actin regulator; minus strand). Cytogenetic location: 2p23.2.
Variant type: single nucleotide variant.
Coding change: c.344C>T on transcript NM_001029883.3 (MANE Select); coding-DNA position 344, C replaced by T.
Protein change: p.Pro115Leu; replaces proline 115 with leucine.
Molecular consequence: missense variant.
Genome position (GRCh38, 1-based): chr2:29,073,918, G>A on the plus strand (C>T on the coding strand, the complement: PCARE is on the minus strand). VCF-style: chr2-29073918-G-A. GRCh37 (hg19) VCF-style: chr2-29296784-G-A.
Other names: short protein forms P115L.
Identifiers: ClinVar variation 1439239 (VCV001439239.6), dbSNP rs780352241, ClinGen allele CA1592672.
Genomic context (GRCh38, chr2:29,073,918, plus strand): 5'-TCACTCTCATCTCCAGAAAAGTCTGCCCCTTGTGATCCATGGGAACCCTGTGTCTTGAAC[G>A]GAATATCCTTAGCCATGTGGCTTTGTGATTTGTTCAGCTGGGATGAAGAGGTTTTGGTTC-3'
Protein context (NP_001025054.1, residues 105-125): KSQSHMAKDI[Pro115Leu]FKTQGSHGSQ

ClinVar aggregate classification (germline): Uncertain significance. Review status: criteria provided, multiple submitters, no conflicts (2 of 4 stars). 2 submissions from 2 submitters: Uncertain significance (2). Last evaluated 2024-07-16.

Allele frequency attached by ClinVar (database versions not stated): gnomAD 0.00002; ExAC 0.00004.
gnomAD v4.1: 64 of 1,614,126 alleles (0.004%); highest among the groups gnomAD compares: Non-Finnish European, 0.0048%; no homozygotes.

Submissions (2):

Blueprint Genetics
Classification: Uncertain significance. Last evaluated: 2024-07-16. Review status: criteria provided, single submitter. Criteria: ACMG Guidelines, 2015. Collection method: clinical testing. Allele origin: germline.

Labcorp Genetics (formerly Invitae), Labcorp
Classification: Uncertain significance. Last evaluated: 2022-08-08. Review status: criteria provided, single submitter. Criteria: Invitae Variant Classification Sherloc (09022015). Collection method: clinical testing. Allele origin: germline.
Comment: This sequence change replaces proline, which is neutral and non-polar, with leucine, which is neutral and non-polar, at codon 115 of the PCARE protein (p.Pro115Leu). This variant is present in population databases (rs780352241, gnomAD 0.006%). This variant has not been reported in the literature in individuals affected with PCARE-related conditions. ClinVar contains an entry for this variant (Variation ID: 1439239). Algorithms developed to predict the effect of missense changes on protein structure and function output the following: SIFT: "Tolerated"; PolyPhen-2: "Benign"; Align-GVGD: "Class C0". The leucine amino acid residue is found in multiple mammalian species, which suggests that this missense change does not adversely affect protein function. In summary, the available evidence is currently insufficient to determine the role of this variant in disease. Therefore, it has been classified as a Variant of Uncertain Significance.